The following is an entry in ClinVar:

NM_006734.4(HIVEP2):c.2894G>C (p.Arg965Pro)

Gene: HIVEP2 (HIVEP zinc finger 2; minus strand). Cytogenetic location: 6q24.2.
Variant type: single nucleotide variant.
Coding change: c.2894G>C on transcript NM_006734.4 (MANE Select); coding-DNA position 2894, G replaced by C.
Protein change: p.Arg965Pro; replaces arginine 965 with proline.
Molecular consequence: missense variant.
Genome position (GRCh38, 1-based): chr6:142,771,845, C>G on the plus strand (G>C on the coding strand, the complement: HIVEP2 is on the minus strand). VCF-style: chr6-142771845-C-G. GRCh37 (hg19) VCF-style: chr6-143092982-C-G.
Other names: short protein forms R965P.
Identifiers: ClinVar variation 3252811 (VCV003252811.1), dbSNP rs772259068.

ClinVar aggregate classification (germline): Uncertain significance (1 of 4 stars; one submission).

gnomAD v4.1: 1 of 1,614,176 alleles (0.000062%); highest among the groups gnomAD compares: Admixed American, 0.0017%; no homozygotes.

Submission:

GeneDx
Classification: Uncertain significance. Last evaluated: 2024-04-26. Review status: criteria provided, single submitter. Criteria: GeneDx Variant Classification Process June 2021. Collection method: clinical testing. Allele origin: germline. Affected: yes.
Comment: Not observed at significant frequency in large population cohorts (gnomAD); In silico analysis supports that this missense variant has a deleterious effect on protein structure/function; Has not been previously published as pathogenic or benign to our knowledge